The following is an entry in ClinVar:

ClinVar aggregate classification (germline): Likely benign. Review status: criteria provided, multiple submitters, no conflicts (2 of 4 stars). 2 submissions from 2 submitters: Likely benign (2). Last evaluated 2025-02-07.

Conditions:
POLD1-related polyposis and colorectal cancer syndrome (CRCS10). Also called: Colorectal cancer 10; COLORECTAL CANCER, SUSCEPTIBILITY TO, ON CHROMOSOME 19q; Colorectal cancer, susceptibility to, 10. Identifiers: Orphanet 220460, MedGen C2675481, MONDO:0012953, OMIM 612591.

Submissions (2):

Myriad Genetics, Inc.
Classification: Likely benign for POLD1-related polyposis and colorectal cancer syndrome. Last evaluated: 2025-02-07. Review status: criteria provided, single submitter. Criteria: Myriad Autosomal Dominant, Autosomal Recessive and X-Linked Classification Criteria (2023). Collection method: clinical testing. Allele origin: unknown.
Comment: This variant is considered likely benign. This variant is intronic and is not expected to impact mRNA splicing.

Labcorp Genetics (formerly Invitae), Labcorp
Classification: Likely benign for POLD1-related polyposis and colorectal cancer syndrome. Last evaluated: 2021-04-21. Review status: criteria provided, single submitter. Criteria: Invitae Variant Classification Sherloc (09022015). Collection method: clinical testing. Allele origin: germline.

NM_002691.4(POLD1):c.1686+9C>G

Gene: POLD1 (DNA polymerase delta 1, catalytic subunit; plus strand). Cytogenetic location: 19q13.33.
Variant type: single nucleotide variant.
Coding change: c.1686+9C>G on transcript NM_002691.4 (MANE Select); 9 bases into the intron after coding-DNA position 1686, C replaced by G.
Molecular consequence: intron variant.
Genome position (GRCh38, 1-based): chr19:50,407,183, C>G. VCF-style: chr19-50407183-C-G. GRCh37 (hg19) VCF-style: chr19-50910440-C-G.
Other names: c.1686+9C>G (NM_001256849.1, NM_001308632.1).
Identifiers: ClinVar variation 1659520 (VCV001659520.9), dbSNP rs2122341015, ClinGen allele CA2573156692.